The following is an entry in ClinVar:

ClinVar aggregate classification (germline): Uncertain significance (1 of 4 stars; one submission).

Conditions:
Autosomal dominant omodysplasia. Identifiers: Orphanet 2733, Orphanet 93328, MedGen C2750355, MONDO:0008123, OMIM 164745.

Allele frequency attached by ClinVar (database versions not stated): ExAC 0.00001; gnomAD 0.00001; TOPMed 0.00001.

Submission:

MVZ Medizinische Genetik Mainz
Classification: Uncertain significance for Autosomal dominant omodysplasia. Last evaluated: 2024-02-23. Review status: criteria provided, single submitter. Criteria: UK Practice Guidelines For Variant Classification V4 01 2020. Collection method: clinical testing. Allele origin: germline. Inheritance: Autosomal dominant inheritance. Affected: yes. Observed: 1 variant allele.
Comment: ACMG Criteria: PP3_STR,PM2_SUP

NM_001466.4(FZD2):c.859T>C (p.Tyr287His)

Gene: FZD2 (frizzled class receptor 2; plus strand). Cytogenetic location: 17q21.31.
Variant type: single nucleotide variant.
Coding change: c.859T>C on transcript NM_001466.4 (MANE Select); coding-DNA position 859, T replaced by C.
Protein change: p.Tyr287His; replaces tyrosine 287 with histidine.
Molecular consequence: missense variant.
Genome position (GRCh38, 1-based): chr17:44,558,547, T>C. VCF-style: chr17-44558547-T-C. GRCh37 (hg19) VCF-style: chr17-42635915-T-C.
Other names: short protein forms Y287H.
Identifiers: ClinVar variation 3236812 (VCV003236812.1), dbSNP rs781375731.